The following is an entry in ClinVar:

NM_000277.3(PAH):c.1204T>G (p.Phe402Val)

Gene: PAH (phenylalanine hydroxylase; minus strand). Cytogenetic location: 12q23.2.
Variant type: single nucleotide variant.
Coding change: c.1204T>G on transcript NM_000277.3 (MANE Select); coding-DNA position 1204, T replaced by G.
Protein change: p.Phe402Val; replaces phenylalanine 402 with valine.
Molecular consequence: missense variant.
Genome position (GRCh38, 1-based): chr12:102,840,511, A>C on the plus strand (T>G on the coding strand, the complement: PAH is on the minus strand). VCF-style: chr12-102840511-A-C. GRCh37 (hg19) VCF-style: chr12-103234289-A-C.
Other names: NM_001354304.2:c.1204T>G; c.1204T>G, p.Phe402Val (NM_001354304.2); short protein forms F402V.
Identifiers: ClinVar variation 987756 (VCV000987756.2), dbSNP rs62508725, ClinGen allele CA16020969.
Genomic context (GRCh38, chr12:102,840,511, plus strand): 5'-CAATCCTTTGGGTGTATGGGTCGTAGCGAACTGAGAAGGGCCGAGGTATTGTGGCAGCAA[A>C]GTTCCTAAGACCAAAACCACAGGCTTGAGTGAAGGGCACCATTTGGAGAAAGGTAGTCTT-3'
Protein context (NP_000268.1, residues 392-412): FNDAKEKVRN[Phe402Val]AATIPRPFSV

ClinVar aggregate classification (germline): Likely pathogenic (3 of 4 stars; one submission).

Conditions:
Phenylketonuria (PKU). Also called: OLIGOPHRENIA PHENYLPYRUVICA; Phenylketonuria (PKU); Phenylketonurias; FOLLING DISEASE. Identifiers: Orphanet 716, MedGen C0031485, MONDO:0009861, OMIM 261600. Disease mechanism: loss of function.

Submission:

ClinGen PAH Variant Curation Expert Panel
Classification: Likely pathogenic for Phenylketonuria. Last evaluated: 2024-11-17. Review status: reviewed by expert panel. Criteria: ClinGen PAH ACMG Specifications v1. Collection method: curation. Allele origin: germline. Inheritance: Autosomal recessive inheritance.
Comment: The c.1204T>G (p.Phe402Val) variant in PAH is currently unreported in the literature. This variant is absent from population databases (PM2_Supporting), and is predicted deleterious by SIFT, PolyPhen2, MutationTester, and REVEL = 0.973 (PP3_Strong). Other missense variants [c.1204T>C (p.Phe402Leu); c.1205T>G (p.Phe402Cys)] in the same codon have been classified as likely pathogenic by the ClinGen Phenylketonuria Variant Curation Expert Panel (PM5_Supporting). In summary, this variant meets criteria to be classified as likely pathogenic for PAH. PAH-specific ACMG/AMP criteria applied: PM2_Supporting, PP3_Strong, PM5_supporting.